The following is an entry in ClinVar:

ClinVar aggregate classification (germline): Pathogenic/Likely pathogenic. Review status: criteria provided, multiple submitters, no conflicts (2 of 4 stars). 3 submissions from 3 submitters: Pathogenic (2); Likely pathogenic (1). Last evaluated 2023-12-29.

Conditions:
Familial thoracic aortic aneurysm and aortic dissection (TAAD). Also called: Thoracic aortic aneurysms and dissections. Identifiers: Orphanet 91387, MedGen C4707243, MONDO:0019625.
Marfan syndrome (MFS). Also called: Marfan syndrome type 1; Marfan syndrome, classic; Marfan's syndrome; FBN1-Related Marfan Syndrome; MARFAN SYNDROME, TYPE I. Identifiers: Orphanet 284963, Orphanet 558, MedGen C0024796, MONDO:0007947, OMIM 154700.

Submissions (3):

GeneDx
Classification: Likely pathogenic. Last evaluated: 2023-12-29. Review status: criteria provided, single submitter. Criteria: GeneDx Variant Classification Process June 2021. Collection method: clinical testing. Allele origin: germline. Affected: yes.
Comment: Not observed at significant frequency in large population cohorts (gnomAD); In silico analysis supports that this missense variant has a deleterious effect on protein structure/function; This variant is associated with the following publications: (PMID: 20591885, 30838813)

Victorian Clinical Genetics Services, Murdoch Childrens Research Institute
Classification: Pathogenic for Marfan syndrome. Last evaluated: 2020-10-19. Review status: criteria provided, single submitter. Criteria: ACMG Guidelines, 2015. Collection method: clinical testing. Allele origin: germline. Inheritance: Autosomal dominant inheritance. Affected: yes.
Comment: Based on the classification scheme VCGS_Germline_v1.1.1, this variant is classified as PATHOGENIC. Following criteria are met: 0102 - Loss-of-function is a known mechanism of disease for this gene. (N) 0104 - Dominant Negative is a mechanism of disease for this gene. (N) 0107 - This gene is known to be associated with autosomal dominant disease. (N) 0200 - Variant is predicted to result in a missense amino acid change from an aspartic acid to a glycine (exon 37). (N) 0251 - Variant is heterozygous. (N) 0301 - Variant is absent from gnomAD. (P) 0501 - Missense variant consistently predicted to be damaging by multiple in silico tools and is very highly conserved with a moderate amino acid change. (P) 0508 – This variant is the last base of the exon, however in silico predictions for abnormal splicing are conflicting. (N) 0600 - Variant is located in an annotated domain or motif (Calcium-binding EGF domain; PDB). (N) 0704 - Comparable variant has low previous evidence for pathogenicity. Two different variants in the same codon resulting in a change to alanine and asparagine have been shown to cause Marfan syndrome (ClinVar, PMID: 21542060). However the change to asparagine has also been reported as VUS in ClinVar. (P) 0802 - Moderate previous evidence of pathogenicity in unrelated individuals. This variant has been previously reported in patients with Marfan syndrome (ClinVar, PMID: 30838813). (P) 0905 - No segregation evidence has been identified for this variant. (N) 1007 - No published functional evidence has been identified for this variant. (P) Legend: (P) - Pathogenic, (N) - Neutral, (B) - Benign

Labcorp Genetics (formerly Invitae), Labcorp
Classification: Pathogenic for Marfan syndrome; Familial thoracic aortic aneurysm and aortic dissection. Last evaluated: 2020-06-10. Review status: criteria provided, single submitter. Criteria: Invitae Variant Classification Sherloc (09022015). Collection method: clinical testing. Allele origin: germline.
Comment: This variant is not present in population databases (ExAC no frequency). For these reasons, this variant has been classified as Pathogenic. This variant disrupts the p.Asp1487 amino acid residue in FBN1. Other variant(s) that disrupt this residue have been observed in individuals with FBN1-related conditions (PMID: 21542060, Invitae), which suggests that this may be a clinically significant amino acid residue. Algorithms developed to predict the effect of sequence changes on RNA splicing suggest that this variant may create or strengthen a splice site, but this prediction has not been confirmed by published transcriptional studies. Algorithms developed to predict the effect of missense changes on protein structure and function (SIFT, PolyPhen-2, Align-GVGD) all suggest that this variant is likely to be disruptive, but these predictions have not been confirmed by published functional studies and their clinical significance is uncertain. This variant has been observed in individual(s) with clinical features of Marfan syndrome (PMID: 30838813, Invitae). In at least one individual the variant was observed to be de novo. ClinVar contains an entry for this variant (Variation ID: 527205). This sequence change replaces aspartic acid with glycine at codon 1487 of the FBN1 protein (p.Asp1487Gly). The aspartic acid residue is highly conserved and there is a moderate physicochemical difference between aspartic acid and glycine.

Literature cited by the submitters: PubMed 21542060 (cited by Victorian Clinical Genetics Services, Murdoch Childrens Research Institute and Labcorp Genetics (formerly Invitae), Labcorp); PubMed 30838813 (cited by Victorian Clinical Genetics Services, Murdoch Childrens Research Institute and Labcorp Genetics (formerly Invitae), Labcorp).

NM_000138.5(FBN1):c.4460A>G (p.Asp1487Gly)

Gene: FBN1 (fibrillin 1; minus strand). Cytogenetic location: 15q21.1.
Variant type: single nucleotide variant.
Coding change: c.4460A>G on transcript NM_000138.5 (MANE Select); coding-DNA position 4460, A replaced by G.
Protein change: p.Asp1487Gly; replaces aspartic acid 1487 with glycine.
Molecular consequence: missense variant.
Genome position (GRCh38, 1-based): chr15:48,468,534, T>C on the plus strand (A>G on the coding strand, the complement: FBN1 is on the minus strand). VCF-style: chr15-48468534-T-C. GRCh37 (hg19) VCF-style: chr15-48760731-T-C.
Other names: short protein forms D1487G.
Identifiers: ClinVar variation 527205 (VCV000527205.10), dbSNP rs1555397216, ClinGen allele CA392353834.